The following is an entry in ClinVar:

NM_005687.5(FARSB):c.909T>C (p.Ala303=)

Gene: FARSB (phenylalanyl-tRNA synthetase subunit beta; minus strand). Cytogenetic location: 2q36.1.
Variant type: single nucleotide variant.
Coding change: c.909T>C on transcript NM_005687.5 (MANE Select); coding-DNA position 909, T replaced by C.
Protein change: p.Ala303=; no amino-acid change (alanine 303 retained).
Molecular consequence: synonymous variant. On other transcripts: non-coding transcript variant (1).
Genome position (GRCh38, 1-based): chr2:222,624,767, A>G on the plus strand (T>C on the coding strand, the complement: FARSB is on the minus strand). VCF-style: chr2-222624767-A-G. GRCh37 (hg19) VCF-style: chr2-223489486-A-G.
Other names: c.909T>C (NM_005687.4).
Identifiers: ClinVar variation 1599812 (VCV001599812.11), dbSNP rs36025173, ClinGen allele CA2136495.
Genomic context (GRCh38, chr2:222,624,767, plus strand): 5'-AGCATACCTGATTCCAACTTTTTTGTTAATTAGGTCAGCTCTCACCATCTCCTTTCGGTA[A>G]GCTAATTCCTTAAATAGAAAGAGTTTAAAAAGTAAATCATTTCCCATCAGATACAGCTTT-3'
Protein context (NP_005678.3, residues 293-313): NGKSHTFPEL[Ala303=]YRKEMVRADL

ClinVar aggregate classification (germline): Benign. Review status: criteria provided, multiple submitters, no conflicts (2 of 4 stars). 3 submissions from 3 submitters: Benign (2). 1 of the submissions does not count toward it. Last evaluated 2026-01-19.

Conditions:
FARSB-related disorder. Also called: FARSB-related condition.

Allele frequency attached by ClinVar (database versions not stated): gnomAD exomes 0.00054 and 0.00154; ExAC 0.00201; 1000 Genomes Project 30x 0.00422; 1000 Genomes Project 0.00439; ESP Exome Variant Server 0.00554; gnomAD 0.00583 and 0.00633; TOPMed 0.00681.
gnomAD v4.1: 1,709 of 1,595,186 alleles (0.11%); highest among the groups gnomAD compares: African/African-American, 2%; 22 homozygotes.

Submissions (3):

Labcorp Genetics (formerly Invitae), Labcorp
Classification: Benign. Last evaluated: 2026-01-19. Review status: criteria provided, single submitter. Criteria: Invitae Variant Classification Sherloc (09022015). Collection method: clinical testing. Allele origin: germline.

Breakthrough Genomics
Classification: Benign. Review status: criteria provided, single submitter. Criteria: ACMG Guidelines, 2015. Collection method: not provided. Allele origin: germline. Inheritance: Autosomal recessive inheritance. Affected: yes.

PreventionGenetics, part of Exact Sciences
Classification: Benign for FARSB-related condition. Last evaluated: 2019-08-12. Review status: no assertion criteria provided. Collection method: clinical testing. Allele origin: germline. Not counted in ClinVar's aggregate classification.
Comment: This variant is classified as benign based on ACMG/AMP sequence variant interpretation guidelines (Richards et al. 2015 PMID: 25741868, with internal and published modifications).